The following is an entry in ClinVar:

ClinVar aggregate classification (germline): Uncertain significance. Review status: criteria provided, multiple submitters, no conflicts (2 of 4 stars). 3 submissions from 3 submitters: Uncertain significance (3). Last evaluated 2025-01-07.

Conditions:
SCN1A-related disorder. Also called: SCN1A-related conditions; SCN1A-related condition; SCN1A-related disorders.
Early-infantile DEE. Also called: Early infantile epileptic encephalopathy; Early infantile epileptic encephalopathy with suppression bursts; Ohtahara syndrome. Identifiers: Orphanet 1934, MedGen C0393706, MONDO:0800491.

Submissions (3):

PreventionGenetics, part of Exact Sciences
Classification: Uncertain significance for SCN1A-related condition. Last evaluated: 2025-01-07. Review status: criteria provided, single submitter. Criteria: ACMG Guidelines, 2015. Collection method: clinical testing. Allele origin: germline.
Comment: The SCN1A c.4765G>T variant is predicted to result in the amino acid substitution p.Val1589Leu. To our knowledge, this variant has not been reported in the literature or in a large population database (gnomAD), indicating this variant is rare. At this time, the clinical significance of this variant is uncertain due to the absence of conclusive functional and genetic evidence.

Labcorp Genetics (formerly Invitae), Labcorp
Classification: Uncertain significance for Early-infantile DEE. Last evaluated: 2024-08-20. Review status: criteria provided, single submitter. Criteria: Invitae Variant Classification Sherloc (09022015). Collection method: clinical testing. Allele origin: germline.
Comment: This sequence change replaces valine, which is neutral and non-polar, with leucine, which is neutral and non-polar, at codon 1589 of the SCN1A protein (p.Val1589Leu). This variant is not present in population databases (gnomAD no frequency). This variant has not been reported in the literature in individuals affected with SCN1A-related conditions. ClinVar contains an entry for this variant (Variation ID: 206848). Invitae Evidence Modeling of protein sequence and biophysical properties (such as structural, functional, and spatial information, amino acid conservation, physicochemical variation, residue mobility, and thermodynamic stability) indicates that this missense variant is not expected to disrupt SCN1A protein function with a negative predictive value of 95%. In summary, the available evidence is currently insufficient to determine the role of this variant in disease. Therefore, it has been classified as a Variant of Uncertain Significance.

GeneDx
Classification: Uncertain significance. Last evaluated: 2013-05-01. Review status: criteria provided, single submitter. Criteria: GeneDx Variant Classification (06012015). Collection method: clinical testing. Allele origin: germline. Affected: yes.
Comment: The Val1589Leu missense change in the SCN1A gene has not been published as a mutation, nor has it been reported as a benign polymorphism to our knowledge. It was not observed in approximately 6,500 individuals of European and African American ancestry in the NHLBI Exome Sequencing Project, indicating it is not a common benign variant in these populations. Val1589Leu alters a conserved position in the S2 segment of the fourth transmembrane domain in the SCN1A protein and other missense mutations in this region have been published in association with SCN1A-related disorders in an external mutation database. However, the amino acid substitution is conservative as both Valine and Leucine are uncharged, non-polar amino acid residues. Additionally, while one-silico algorithm predicts Val1589Leu may be damaging to the structure/function of the protein, two other models predict it may be benign. The variant is found in EPILEPSY panel(s).

NM_001165963.4(SCN1A):c.4765G>T (p.Val1589Leu)

Genes: SCN1A (sodium voltage-gated channel alpha subunit 1; minus strand), LOC102724058 (uncharacterized LOC102724058; plus strand). Cytogenetic location: 2q24.3.
Variant type: single nucleotide variant.
Coding change: c.4765G>T on transcript NM_001165963.4 (MANE Select); coding-DNA position 4765, G replaced by T.
Protein change: p.Val1589Leu; replaces valine 1589 with leucine.
Molecular consequence: missense variant. On other transcripts: non-coding transcript variant (1).
Genome position (GRCh38, 1-based): chr2:165,994,233, C>A on the plus strand (G>T on the coding strand, the complement: SCN1A is on the minus strand). VCF-style: chr2-165994233-C-A. GRCh37 (hg19) VCF-style: chr2-166850743-C-A.
Other names: p.V1589L:GTA>TTA; c.4681G>T, p.Val1561Leu (NM_001165964.3, NM_001353957.2, NM_001353958.2); c.4765G>T, p.Val1589Leu (NM_001202435.3, NM_001353948.2); c.4732G>T, p.Val1578Leu (NM_001353949.2, NM_001353950.2, NM_001353951.2 and 2 more transcripts); c.4729G>T, p.Val1577Leu (NM_001353954.2, NM_001353955.2); c.4678G>T, p.Val1560Leu (NM_001353960.2); c.2323G>T, p.Val775Leu (NM_001353961.2); c.4765G>T (NM_001202435.1); short protein forms V1578L, V1589L, V775L, V1560L, V1561L, V1577L.
Identifiers: ClinVar variation 206848 (VCV000206848.7), dbSNP rs796053027, ClinGen allele CA317537.